The following is an entry in ClinVar:

NM_000455.5(STK11):c.350del (p.Leu117fs)

Gene: STK11 (serine/threonine kinase 11; plus strand). Cytogenetic location: 19p13.3.
Variant type: Deletion.
Coding change: c.350del on transcript NM_000455.5 (MANE Select); coding-DNA position 350, one base deleted (T; older notation c.350delT).
Protein change: p.Leu117fs; shifts the reading frame from leucine 117.
Molecular consequence: frameshift variant.
Genome position (GRCh38, 1-based): chr19:1,218,476, T deleted; the last of 2 consecutive T bases (chr19:1,218,475-1,218,476); deleting either gives the same sequence. VCF-style (leftmost placement, unchanged base first): chr19-1218474-GT-G. GRCh37 (hg19) VCF-style: chr19-1218473-GT-G.
Other names: short protein forms L117fs.
Identifiers: ClinVar variation 1458539 (VCV001458539.6), dbSNP rs2145420765, ClinGen allele CA2573155750.
Genomic context (GRCh38, chr19:1,218,474, plus strand): 5'-CAGGGAAATTCAACTACTGAGGAGGTTACGGCACAAAAATGTCATCCAGCTGGTGGATGT[GT>G]TATACAACGAAGAGAAGCAGAAAATATATCCTTTCCGGTGTTGGGACCGCGGGGCCTCCG-3'

ClinVar aggregate classification (germline): Pathogenic (1 of 4 stars; one submission).

Conditions:
Peutz-Jeghers syndrome (PJS). Also called: POLYPOSIS, HAMARTOMATOUS INTESTINAL; POLYPS-AND-SPOTS SYNDROME; Peutz-Jeghers polyposis; Periorificial lentiginosis syndrome. Identifiers: Orphanet 2869, MedGen C0031269, MeSH D010580, MONDO:0008280, OMIM 175200.

Submission:

Labcorp Genetics (formerly Invitae), Labcorp
Classification: Pathogenic for Peutz-Jeghers syndrome. Last evaluated: 2021-05-26. Review status: criteria provided, single submitter. Criteria: Invitae Variant Classification Sherloc (09022015). Collection method: clinical testing. Allele origin: germline.
Comment: For these reasons, this variant has been classified as Pathogenic. This variant has not been reported in the literature in individuals with STK11-related conditions. This variant is not present in population databases (ExAC no frequency). This sequence change creates a premature translational stop signal (p.Leu117Tyrfs*12) in the STK11 gene. It is expected to result in an absent or disrupted protein product. Loss-of-function variants in STK11 are known to be pathogenic (PMID: 15188174, 16287113).

Literature cited by the submitters: PubMed 15188174; PubMed 16287113.